The following is an entry in ClinVar:

NM_144687.4(NLRP12):c.1231T>A (p.Cys411Ser)

Gene: NLRP12 (NLR family pyrin domain containing 12; minus strand). Cytogenetic location: 19q13.42.
Variant type: single nucleotide variant.
Coding change: c.1231T>A on transcript NM_144687.4 (MANE Select); coding-DNA position 1231, T replaced by A.
Protein change: p.Cys411Ser; replaces cysteine 411 with serine.
Molecular consequence: missense variant.
Genome position (GRCh38, 1-based): chr19:53,810,428, A>T on the plus strand (T>A on the coding strand, the complement: NLRP12 is on the minus strand). VCF-style: chr19-53810428-A-T. GRCh37 (hg19) VCF-style: chr19-54313682-A-T.
Other names: c.1231T>A, p.Cys411Ser (NM_001277126.2, NM_001277129.1); short protein forms C411S.
Identifiers: ClinVar variation 858406 (VCV000858406.9), dbSNP rs1369819341, ClinGen allele CA407413958.

ClinVar aggregate classification (germline): Uncertain significance (1 of 4 stars; one submission).

Conditions:
Familial cold autoinflammatory syndrome 2 (FCAS2). Identifiers: Orphanet 247868, MedGen C2673198, MONDO:0012724, OMIM 611762.

Allele frequency attached by ClinVar (database versions not stated): gnomAD 0.00002; TOPMed 0.00003.
gnomAD v4.1: 5 of 1,613,838 alleles (0.00031%); highest among the groups gnomAD compares: Non-Finnish European, 0.00042%; no homozygotes.

Submission:

Labcorp Genetics (formerly Invitae), Labcorp
Classification: Uncertain significance for Familial cold autoinflammatory syndrome 2. Last evaluated: 2025-10-01. Review status: criteria provided, single submitter. Criteria: Invitae Variant Classification Sherloc (09022015). Collection method: clinical testing. Allele origin: germline.
Comment: This sequence change replaces cysteine, which is neutral and slightly polar, with serine, which is neutral and polar, at codon 411 of the NLRP12 protein (p.Cys411Ser). This variant is present in population databases (no rsID available, gnomAD 0.007%). This variant has not been reported in the literature in individuals affected with NLRP12-related conditions. ClinVar contains an entry for this variant (Variation ID: 858406). Invitae Evidence Modeling of protein sequence and biophysical properties (such as structural, functional, and spatial information, amino acid conservation, physicochemical variation, residue mobility, and thermodynamic stability) indicates that this missense variant is expected to disrupt NLRP12 protein function with a positive predictive value of 80%. Algorithms developed to predict the effect of sequence changes on RNA splicing suggest that this variant may create or strengthen a splice site. In summary, the available evidence is currently insufficient to determine the role of this variant in disease. Therefore, it has been classified as a Variant of Uncertain Significance.